The following is an entry in ClinVar:

ClinVar aggregate classification (germline): Uncertain significance (1 of 4 stars; one submission).

Conditions:
Dyskeratosis congenita. Identifiers: Orphanet 1775, MedGen C0265965, MONDO:0015780.

gnomAD v4.1: 1 of 1,614,186 alleles (0.000062%); highest among the groups gnomAD compares: South Asian, 0.0011%; no homozygotes.

Submission:

Labcorp Genetics (formerly Invitae), Labcorp
Classification: Uncertain significance for Dyskeratosis congenita. Last evaluated: 2022-06-17. Review status: criteria provided, single submitter. Criteria: Invitae Variant Classification Sherloc (09022015). Collection method: clinical testing. Allele origin: germline.
Comment: This sequence change replaces serine, which is neutral and polar, with phenylalanine, which is neutral and non-polar, at codon 448 of the TINF2 protein (p.Ser448Phe). This variant is not present in population databases (gnomAD no frequency). This variant has not been reported in the literature in individuals affected with TINF2-related conditions. Algorithms developed to predict the effect of missense changes on protein structure and function (SIFT, PolyPhen-2, Align-GVGD) all suggest that this variant is likely to be tolerated. In summary, the available evidence is currently insufficient to determine the role of this variant in disease. Therefore, it has been classified as a Variant of Uncertain Significance.

NM_001099274.3(TINF2):c.1343C>T (p.Ser448Phe)

Gene: TINF2 (TERF1 interacting nuclear factor 2; minus strand). Cytogenetic location: 14q12.
Variant type: single nucleotide variant.
Coding change: c.1343C>T on transcript NM_001099274.3 (MANE Select); coding-DNA position 1343, C replaced by T.
Protein change: p.Ser448Phe; replaces serine 448 with phenylalanine.
Molecular consequence: missense variant. On other transcripts: 3 prime UTR variant (1).
Genome position (GRCh38, 1-based): chr14:24,239,810, G>A on the plus strand (C>T on the coding strand, the complement: TINF2 is on the minus strand). VCF-style: chr14-24239810-G-A. GRCh37 (hg19) VCF-style: chr14-24709016-G-A.
Other names: c.1238C>T, p.Ser413Phe (NM_001363668.2); c.*605C>T (NM_012461.3); short protein forms S413F, S448F.
Identifiers: ClinVar variation 1954043 (VCV001954043.2), dbSNP rs757192833, ClinGen allele CA389219316.